The following is an entry in ClinVar:

NM_198880.3(QRICH1):c.53A>T (p.Lys18Met)

Gene: QRICH1 (glutamine rich 1; minus strand). Cytogenetic location: 3p21.31.
Variant type: single nucleotide variant.
Coding change: c.53A>T on transcript NM_198880.3 (MANE Select); coding-DNA position 53, A replaced by T.
Protein change: p.Lys18Met; replaces lysine 18 with methionine.
Molecular consequence: missense variant.
Genome position (GRCh38, 1-based): chr3:49,076,965, T>A on the plus strand (A>T on the coding strand, the complement: QRICH1 is on the minus strand). VCF-style: chr3-49076965-T-A. GRCh37 (hg19) VCF-style: chr3-49114398-T-A.
Other names: c.53A>T, p.Lys18Met (NM_001320580.2, NM_001320581.2, NM_001320582.2 and 4 more transcripts); short protein forms K18M.
Identifiers: ClinVar variation 5008198 (VCV005008198.1).

ClinVar aggregate classification (germline): Uncertain significance (1 of 4 stars; one submission).

Submission:

GeneDx
Classification: Uncertain significance. Last evaluated: 2026-02-27. Review status: criteria provided, single submitter. Criteria: GeneDx Variant Classification Process June 2021. Collection method: clinical testing. Allele origin: germline.
Comment: Not observed at significant frequency in large population cohorts (gnomAD); In silico analysis supports that this missense variant has a deleterious effect on protein structure/function; Has not been previously published as pathogenic or benign to our knowledge